The following is an entry in ClinVar:

NM_014845.6(FIG4):c.1228A>G (p.Thr410Ala)

Gene: FIG4 (FIG4 phosphoinositide 5-phosphatase; plus strand). Cytogenetic location: 6q21.
Variant type: single nucleotide variant.
Coding change: c.1228A>G on transcript NM_014845.6 (MANE Select); coding-DNA position 1228, A replaced by G.
Protein change: p.Thr410Ala; replaces threonine 410 with alanine.
Molecular consequence: missense variant.
Genome position (GRCh38, 1-based): chr6:109,760,340, A>G. VCF-style: chr6-109760340-A-G. GRCh37 (hg19) VCF-style: chr6-110081543-A-G.
Other names: p.Thr410Ala; short protein forms T410A.
Identifiers: ClinVar variation 964917 (VCV000964917.11), dbSNP rs142463699, ClinGen allele CA3956018.

ClinVar aggregate classification (germline): Uncertain significance. Review status: criteria provided, multiple submitters, no conflicts (2 of 4 stars). 4 submissions from 4 submitters: Uncertain significance (4). Last evaluated 2024-09-04.

Conditions:
Charcot-Marie-Tooth disease type 4. Also called: Charcot-Marie-Tooth disease, type IV; Charcot-Marie-Tooth, Type 4. Identifiers: Orphanet 64749, MedGen C4082197, MONDO:0018995.
Inborn genetic diseases. Identifiers: MedGen C0950123, MeSH D030342.

Allele frequency attached by ClinVar (database versions not stated): gnomAD 0.00001; TOPMed 0.00001; ExAC 0.00003; gnomAD exomes 0.00003; ESP Exome Variant Server 0.00008.
gnomAD v4.1: 49 of 1,612,958 alleles (0.003%); highest among the groups gnomAD compares: Non-Finnish European, 0.0037%; no homozygotes.

Submissions (4):

Blueprint Genetics
Classification: Uncertain significance. Last evaluated: 2024-09-04. Review status: criteria provided, single submitter. Criteria: ACMG Guidelines, 2015. Collection method: clinical testing. Allele origin: germline.

Mayo Clinic Laboratories, Mayo Clinic
Classification: Uncertain significance. Last evaluated: 2024-04-12. Review status: criteria provided, single submitter. Criteria: ACMG Guidelines, 2015. Collection method: clinical testing. Allele origin: germline. Observed: 1 variant allele.
Comment: BP4

Ambry Genetics
Classification: Uncertain significance for Inborn genetic diseases. Last evaluated: 2021-08-09. Review status: criteria provided, single submitter. Criteria: Ambry Variant Classification Scheme 2023. Collection method: clinical testing. Allele origin: germline.
Comment: The p.T410A variant (also known as c.1228A>G), located in coding exon 11 of the FIG4 gene, results from an A to G substitution at nucleotide position 1228. The threonine at codon 410 is replaced by alanine, an amino acid with similar properties. This amino acid position is not well conserved in available vertebrate species. In addition, this alteration is predicted to be tolerated by in silico analysis. Since supporting evidence is limited at this time, the clinical significance of this alteration remains unclear.

Labcorp Genetics (formerly Invitae), Labcorp
Classification: Uncertain significance for Charcot-Marie-Tooth disease type 4. Last evaluated: 2021-06-15. Review status: criteria provided, single submitter. Criteria: Invitae Variant Classification Sherloc (09022015). Collection method: clinical testing. Allele origin: germline.
Comment: In summary, the available evidence is currently insufficient to determine the role of this variant in disease. Therefore, it has been classified as a Variant of Uncertain Significance. Algorithms developed to predict the effect of missense changes on protein structure and function (SIFT, PolyPhen-2, Align-GVGD) all suggest that this variant is likely to be tolerated, but these predictions have not been confirmed by published functional studies and their clinical significance is uncertain. This variant has not been reported in the literature in individuals with FIG4-related conditions. This variant is present in population databases (rs142463699, ExAC 0.006%). This sequence change replaces threonine with alanine at codon 410 of the FIG4 protein (p.Thr410Ala). The threonine residue is weakly conserved and there is a small physicochemical difference between threonine and alanine.